The following is an entry in ClinVar:

ClinVar aggregate classification (germline): Uncertain significance. Review status: criteria provided, multiple submitters, no conflicts (2 of 4 stars). 2 submissions from 2 submitters: Uncertain significance (2). Last evaluated 2025-07-14.

Conditions:
Malignant hyperthermia, susceptibility to, 1 (MHS1). Also called: RYR1-Related Malignant Hyperthermia Susceptibility; Malignant hyperthermia suceptibility 1; Anesthesia related hyperthermia; Malignant hyperpyrexia; Fulminating hyperpyrexia; Pharmacogenic myopathy. Identifiers: Orphanet 423, MedGen C2930980, MONDO:0007783, OMIM 145600.

Allele frequency attached by ClinVar (database versions not stated): gnomAD 0.00001.
gnomAD v4.1: 5 of 1,613,534 alleles (0.00031%); highest among the groups gnomAD compares: South Asian, 0.0011%; no homozygotes.

Submissions (2):

Color Diagnostics, LLC DBA Color Health
Classification: Uncertain significance for Malignant hyperthermia, susceptibility to, 1. Last evaluated: 2025-07-14. Review status: criteria provided, single submitter. Criteria: ACMG Guidelines, 2015. Collection method: clinical testing. Allele origin: germline.
Comment: This missense variant replaces proline with arginine at codon 2022 of the RYR1 protein. Computational prediction suggests that this variant may not impact protein structure and function. To our knowledge, functional studies have not been reported for this variant. This variant has not been reported in individuals affected with RYR1-related disorders in the literature. This variant has not been identified in the general population by the Genome Aggregation Database (gnomAD). The available evidence is insufficient to determine the role of this variant in disease conclusively. Therefore, this variant is classified as a Variant of Uncertain Significance.

Women's Health and Genetics/Laboratory Corporation of America, LabCorp
Classification: Uncertain significance. Last evaluated: 2024-04-23. Review status: criteria provided, single submitter. Criteria: LabCorp Variant Classification Summary - May 2015. Collection method: clinical testing. Allele origin: germline.
Comment: Variant summary: RYR1 c.6065C>G (p.Pro2022Arg) results in a non-conservative amino acid change located in the Ryanodine receptor, junctional solenoid domain (IPR048581) of the encoded protein sequence. Four of five in-silico tools predict a damaging effect of the variant on protein function. The variant was absent in 251466 control chromosomes (gnomAD). The available data on variant occurrences in the general population are insufficient to allow any conclusion about variant significance. To our knowledge, no occurrence of c.6065C>G in individuals affected with Myopathy, RYR1-Associated and no experimental evidence demonstrating its impact on protein function have been reported. No submitters have cited clinical-significance assessments for this variant to ClinVar. Based on the evidence outlined above, the variant was classified as uncertain significance.

NM_000540.3(RYR1):c.6065C>G (p.Pro2022Arg)

Gene: RYR1 (ryanodine receptor 1; plus strand). Cytogenetic location: 19q13.2.
Variant type: single nucleotide variant.
Coding change: c.6065C>G on transcript NM_000540.3 (MANE Select); coding-DNA position 6065, C replaced by G.
Protein change: p.Pro2022Arg; replaces proline 2022 with arginine.
Molecular consequence: missense variant.
Genome position (GRCh38, 1-based): chr19:38,490,670, C>G. VCF-style: chr19-38490670-C-G. GRCh37 (hg19) VCF-style: chr19-38981310-C-G.
Other names: c.6065C>G, p.Pro2022Arg (NM_001042723.2); short protein forms P2022R.
Identifiers: ClinVar variation 3251768 (VCV003251768.2), dbSNP rs1969512996.